The following is an entry in ClinVar:

ClinVar aggregate classification (germline): Pathogenic (1 of 4 stars; one submission).

Conditions:
Neurofibromatosis, type 1 (NF1). Also called: VON RECKLINGHAUSEN DISEASE; Neurofibromatosis, type I; NEUROFIBROMATOSIS, TYPE I, SOMATIC; Peripheral type neurofibromatosis. Identifiers: Orphanet 636, MedGen C0027831, MONDO:0018975, OMIM 162200. Disease mechanism: loss of function.

Submission:

Labcorp Genetics (formerly Invitae), Labcorp
Classification: Pathogenic for Neurofibromatosis, type 1. Last evaluated: 2023-06-05. Review status: criteria provided, single submitter. Criteria: Invitae Variant Classification Sherloc (09022015). Collection method: clinical testing. Allele origin: germline.
Comment: This sequence change creates a premature translational stop signal (p.Arg1413*) in the NF1 gene. It is expected to result in an absent or disrupted protein product. Loss-of-function variants in NF1 are known to be pathogenic (PMID: 10712197, 23913538). This variant is not present in population databases (gnomAD no frequency). For these reasons, this variant has been classified as Pathogenic. This variant has not been reported in the literature in individuals affected with NF1-related conditions.

Literature cited by the submitters: PubMed 10712197; PubMed 23913538.

NM_001042492.3(NF1):c.4298_4299insA (p.Pro1433_Arg1434insTer)

Gene: NF1 (neurofibromin 1; plus strand). Cytogenetic location: 17q11.2.
Variant type: Insertion.
Coding change: c.4298_4299insA on transcript NM_001042492.3 (MANE Select); coding-DNA positions 4298 to 4299, A inserted.
Protein change: p.Pro1433_Arg1434insTer.
Molecular consequence: frameshift variant. On other transcripts: nonsense (1).
Genome position: GRCh38 VCF-style: chr17-31258468-C-CA. GRCh37 (hg19) VCF-style: chr17-29585486-C-CA.
Other names: c.4235_4236insA, p.Arg1413Terfs (NM_000267.4).
Identifiers: ClinVar variation 2769995 (VCV002769995.3), dbSNP rs2508409412, ClinGen allele CA2697559742.
Genomic context (GRCh38, chr17:31,258,468, plus strand): 5'-TTATCAATCCTGCCATTGTCTCACCGTATGAAGCAGGGATTTTAGATAAAAAGCCACCAC[C>CA]TAGAATCGAAAGGGGCTTGAAGTTAATGTCAAAGGTGAATTATTTTGATAATCTAGCTAT-3'